The following is an entry in ClinVar:

NM_005343.4(HRAS):c.48G>C (p.Lys16Asn)

Genes: HRAS (HRas proto-oncogene, GTPase; minus strand), LRRC56 (leucine rich repeat containing 56; plus strand). Cytogenetic location: 11p15.5.
Variant type: single nucleotide variant.
Coding change: c.48G>C on transcript NM_005343.4 (MANE Select); coding-DNA position 48, G replaced by C.
Protein change: p.Lys16Asn; replaces lysine 16 with asparagine.
Molecular consequence: missense variant. On other transcripts: 5 prime UTR variant (1).
Genome position (GRCh38, 1-based): chr11:534,275, C>G on the plus strand (G>C on the coding strand, the complement: HRAS is on the minus strand). VCF-style: chr11-534275-C-G. GRCh37 (hg19) VCF-style: chr11-534275-C-G.
Other names: c.48G>C, p.Lys16Asn (NM_001130442.3, NM_176795.5); c.-272G>C (NM_001318054.2); short protein forms K16N.
Identifiers: ClinVar variation 4055863 (VCV004055863.1).

ClinVar aggregate classification (germline): Uncertain significance (1 of 4 stars; one submission).

Submission:

GeneDx
Classification: Uncertain significance. Last evaluated: 2024-12-27. Review status: criteria provided, single submitter. Criteria: GeneDx Variant Classification Process June 2021. Collection method: clinical testing. Allele origin: germline. Affected: yes.
Comment: Missense variants in this gene are a common cause of disease and they are underrepresented in the general population; In silico analysis supports that this missense variant has a deleterious effect on protein structure/function; Not observed at significant frequency in large population cohorts (gnomAD); This variant is associated with the following publications: (PMID: 29493581, 3513168, 32838579)